The following is an entry in ClinVar:

NM_153240.5(NPHP3):c.2259C>T (p.His753=)

Genes: NPHP3 (nephrocystin 3; minus strand), NPHP3-ACAD11 (NPHP3-ACAD11 readthrough (NMD candidate); minus strand). Cytogenetic location: 3q22.1.
Variant type: single nucleotide variant.
Coding change: c.2259C>T on transcript NM_153240.5 (MANE Select); coding-DNA position 2259, C replaced by T.
Protein change: p.His753=; no amino-acid change (histidine 753 retained).
Molecular consequence: synonymous variant. On other transcripts: non-coding transcript variant (1).
Genome position (GRCh38, 1-based): chr3:132,694,878, G>A on the plus strand (C>T on the coding strand, the complement: NPHP3 is on the minus strand). VCF-style: chr3-132694878-G-A. GRCh37 (hg19) VCF-style: chr3-132413722-G-A.
Other names: c.2259C>T (NM_153240.4).
Identifiers: ClinVar variation 1081474 (VCV001081474.13), dbSNP rs765940696, ClinGen allele CA2622068.
Genomic context (GRCh38, chr3:132,694,878, plus strand): 5'-ACATTCTACCTGCTTCATTAGCTCTTTATCCACATCATTTGCCATGGACTCCCGGATAGA[G>A]TGCAGAACAAGTCTATATAATGAAAGAGTATCTTGACACTGGAAACACTGATGAAGGATT-3'
Protein context (NP_694972.3, residues 743-763): DTLSLYRLVL[His753=]SIRESMANDV

ClinVar aggregate classification (germline): Likely benign. Review status: criteria provided, multiple submitters, no conflicts (2 of 4 stars). 4 submissions from 4 submitters: Likely benign (3). 1 of the submissions does not count toward it. Last evaluated 2026-01-28.

Conditions:
NPHP3-related disorder. Also called: NPHP3-related disorders; NPHP3-related condition. Identifiers: MedGen CN379163.
Nephronophthisis. Also called: Juvenile Nephronophthisis. Identifiers: MedGen C0687120, MONDO:0019005, HP:0000090, Orphanet 655.
Nephronophthisis 3 (NPHP3). Also called: Adolescent nephronophthisis. Identifiers: Orphanet 655, MedGen C1858392, MONDO:0011456, OMIM 604387.
NPHP3-related Meckel-like syndrome. Also called: GOLDSTON SYNDROME; Meckel syndrome type 7. Identifiers: Orphanet 3032, MedGen C2673885, MONDO:0009966, OMIM 267010.
Renal-hepatic-pancreatic dysplasia 1 (RHPD1). Identifiers: MedGen C3715199, MONDO:0008833, OMIM 208540.

Allele frequency attached by ClinVar (database versions not stated): gnomAD 0.00001; gnomAD exomes 0.00001 and 0.00002; ExAC 0.00002; TOPMed 0.00002.
gnomAD v4.1: 19 of 1,613,542 alleles (0.0012%); highest among the groups gnomAD compares: East Asian, 0.011%; no homozygotes.

Submissions (4):

Labcorp Genetics (formerly Invitae), Labcorp
Classification: Likely benign for Nephronophthisis. Last evaluated: 2026-01-28. Review status: criteria provided, single submitter. Criteria: Invitae Variant Classification Sherloc (09022015). Collection method: clinical testing. Allele origin: germline.

Blueprint Genetics
Classification: Likely benign. Last evaluated: 2024-10-30. Review status: criteria provided, single submitter. Criteria: ACMG Guidelines, 2015. Collection method: clinical testing. Allele origin: germline.

Fulgent Genetics
Classification: Likely benign for Renal-hepatic-pancreatic dysplasia 1; NPHP3-related Meckel-like syndrome; Nephronophthisis 3. Last evaluated: 2022-01-07. Review status: criteria provided, single submitter. Criteria: ACMG Guidelines, 2015. Collection method: clinical testing. Allele origin: unknown.

PreventionGenetics, part of Exact Sciences
Classification: Likely benign for NPHP3-related condition. Last evaluated: 2020-02-14. Review status: no assertion criteria provided. Collection method: clinical testing. Allele origin: germline. Not counted in ClinVar's aggregate classification.
Comment: This variant is classified as likely benign based on ACMG/AMP sequence variant interpretation guidelines (Richards et al. 2015 PMID: 25741868, with internal and published modifications).